The following is an entry in ClinVar:

ClinVar aggregate classification (germline): Likely pathogenic (1 of 4 stars; one submission).

Conditions:
alpha Thalassemia. Also called: Alpha thalassemia spectrum. Identifiers: Orphanet 846, MedGen C0002312, MONDO:0011399, OMIM 604131.

Submission:

Natera, Inc.
Classification: Likely pathogenic for Alpha thalassemia. Last evaluated: 2025-10-15. Review status: criteria provided, single submitter. Criteria: Natera Variant Classification Schema (03/2026). Collection method: clinical testing. Allele origin: germline.
Comment: The c.328delC variant in HBA2 is a frameshift variant predicted to shift the reading frame beginning at codon 110 and leads to a stop codon 24 codons downstream. This variant is expected to result in nonsense mediated decay, truncation, or a dysfunctional protein product. This variant is rare in the general population with a frequency below the threshold expected for the associated phenotype(s). Given the available evidence, this variant is classified as Likely Pathogenic.

NM_000517.6(HBA2):c.328del (p.Leu110fs)

Genes: HBA2 (hemoglobin subunit alpha 2; plus strand), LOC106804612 (hemoglobin subunit alpha 2 recombination region; plus strand). Cytogenetic location: 16p13.3.
Variant type: Deletion.
Coding change: c.328del on transcript NM_000517.6 (MANE Select); coding-DNA position 328, one base deleted (C; older notation c.328delC).
Protein change: p.Leu110fs; shifts the reading frame from leucine 110.
Molecular consequence: frameshift variant.
Genome position (GRCh38, 1-based): chr16:173,499, C deleted; the last of 3 consecutive C bases (chr16:173,497-173,499); deleting any one gives the same sequence. VCF-style (leftmost placement, unchanged base first): chr16-173496-AC-A. GRCh37 (hg19) VCF-style: chr16-223495-AC-A.
Other names: short protein forms L110fs.
Identifiers: ClinVar variation 4818664 (VCV004818664.1).
Genomic context (GRCh38, chr16:173,496, plus strand): 5'-CGGGCCTGGGCCGCACTGACCCTCTTCTCTGCACAGCTCCTAAGCCACTGCCTGCTGGTG[AC>A]CCTGGCCGCCCACCTCCCCGCCGAGTTCACCCCTGCGGTGCACGCCTCCCTGGACAAGTT-3'